The following is an entry in ClinVar:

ClinVar aggregate classification (germline): Uncertain significance. Review status: criteria provided, multiple submitters, no conflicts (2 of 4 stars). 3 submissions from 3 submitters: Uncertain significance (3). Last evaluated 2025-01-16.

Conditions:
Fraser syndrome 2 (FRASRS2). Identifiers: MedGen C4540036, MONDO:0054738, OMIM 617666.
Isolated cryptophthalmia. Also called: Cryptophthalmos, unilateral or bilateral, isolated; ANKYLOBLEPHARON, SIMPLE. Identifiers: Orphanet 91396, MedGen C1852453, MONDO:0007410, OMIM 123570.
Inborn genetic diseases. Identifiers: MedGen C0950123, MeSH D030342.

gnomAD v4.1: 14 of 1,613,944 alleles (0.00087%); highest among the groups gnomAD compares: East Asian, 0.0022%; no homozygotes.

Submissions (3):

Ambry Genetics
Classification: Uncertain significance for Inborn genetic diseases. Last evaluated: 2025-01-16. Review status: criteria provided, single submitter. Criteria: Ambry Variant Classification Scheme 2023. Collection method: clinical testing. Allele origin: germline.

Labcorp Genetics (formerly Invitae), Labcorp
Classification: Uncertain significance. Last evaluated: 2024-03-07. Review status: criteria provided, single submitter. Criteria: Invitae Variant Classification Sherloc (09022015). Collection method: clinical testing. Allele origin: germline.
Comment: This sequence change replaces arginine, which is basic and polar, with tryptophan, which is neutral and slightly polar, at codon 934 of the FREM2 protein (p.Arg934Trp). This variant is present in population databases (rs368536400, gnomAD 0.003%). This variant has not been reported in the literature in individuals affected with FREM2-related conditions. Advanced modeling of protein sequence and biophysical properties (such as structural, functional, and spatial information, amino acid conservation, physicochemical variation, residue mobility, and thermodynamic stability) performed at Invitae indicates that this missense variant is not expected to disrupt FREM2 protein function with a negative predictive value of 80%. In summary, the available evidence is currently insufficient to determine the role of this variant in disease. Therefore, it has been classified as a Variant of Uncertain Significance.

Fulgent Genetics
Classification: Uncertain significance for Isolated cryptophthalmia; Fraser syndrome 2. Last evaluated: 2024-02-09. Review status: criteria provided, single submitter. Criteria: ACMG Guidelines, 2015. Collection method: clinical testing. Allele origin: germline.

NM_207361.6(FREM2):c.2800C>T (p.Arg934Trp)

Gene: FREM2 (FRAS1 related extracellular matrix 2; plus strand). Cytogenetic location: 13q13.3.
Variant type: single nucleotide variant.
Coding change: c.2800C>T on transcript NM_207361.6 (MANE Select); coding-DNA position 2800, C replaced by T.
Protein change: p.Arg934Trp; replaces arginine 934 with tryptophan.
Molecular consequence: missense variant.
Genome position (GRCh38, 1-based): chr13:38,690,144, C>T. VCF-style: chr13-38690144-C-T. GRCh37 (hg19) VCF-style: chr13-39264281-C-T.
Other names: c.2800C>T (NM_207361.4); short protein forms R934W.
Identifiers: ClinVar variation 3576031 (VCV003576031.3).